The following is an entry in ClinVar:

ClinVar aggregate classification (germline): Uncertain significance. Review status: criteria provided, multiple submitters, no conflicts (2 of 4 stars). 6 submissions from 6 submitters: Uncertain significance (5). 1 of the submissions does not count toward it. Last evaluated 2026-09-01.

Conditions:
Childhood hypophosphatasia. Identifiers: Orphanet 247667, Orphanet 436, MedGen C0220743, MONDO:1010168, OMIM 241510, MONDO:0009428.
Infantile hypophosphatasia. Identifiers: Orphanet 247651, Orphanet 436, MedGen C0268412, MONDO:1010169, OMIM 241500, MONDO:0009427.
Adult hypophosphatasia. Identifiers: Orphanet 247676, Orphanet 436, MedGen C0268413, MONDO:1010154, OMIM 146300, MONDO:0007798.
Hypophosphatasia. Also called: Phosphoethanol-aminuria. Identifiers: Orphanet 436, MedGen C0020630, MeSH D007014, MONDO:0018570.

Submissions (6):

Genomenon, Inc
Classification: Uncertain significance for Hypophosphatasia. Last evaluated: 2026-09-01. Review status: criteria provided, single submitter. Criteria: Genomenon Sequence Variant Interpretation Standards - Updated. Collection method: curation. Allele origin: germline. Affected: yes.
Comment: ALPL p.Ile55del (c.165_167del) is an in-frame deletion that results in the loss of Isoleucine at codon 55. This variant has been observed in at least one proband affected with an ALPL-related disorder (PMID:32973344). It is absent or not present at a significant frequency in gnomAD. In conclusion, we classify ALPL p.Ile55del (c.165_167del) as a variant of uncertain significance.

Myriad Genetics, Inc.
Classification: Uncertain significance for Hypophosphatasia. Last evaluated: 2026-06-05. Review status: criteria provided, single submitter. Criteria: Myriad Autosomal Dominant, Autosomal Recessive and X-Linked Classification Criteria (2023). Collection method: clinical testing. Allele origin: unknown.
Comment: NM_000478.4(ALPL):c.165_167delCAT(I55del) is an in-frame deletion classified as a variant of uncertain significance in the context of hypophosphatasia. I55del has been observed in cases with relevant disease (PMID: 32973344, 39983296). Relevant functional assessments of this variant are not available in the literature. I55del has been observed in referenced population frequency databases. In summary, there is insufficient evidence to classify NM_000478.4(ALPL):c.165_167delCAT(I55del) as pathogenic or benign. Please note: this variant was assessed in the context of healthy population screening.

Labcorp Genetics (formerly Invitae), Labcorp
Classification: Uncertain significance. Last evaluated: 2026-01-21. Review status: criteria provided, single submitter. Criteria: Invitae Variant Classification Sherloc (09022015). Collection method: clinical testing. Allele origin: germline.
Comment: This variant, c.165_167del, results in the deletion of 1 amino acid(s) of the ALPL protein (p.Ile55del), but otherwise preserves the integrity of the reading frame. This variant is present in population databases (rs766831104, gnomAD 0.002%). This variant has been observed in individual(s) with clinical suspicion of hypophosphatasia (PMID: 39983296). Experimental studies and prediction algorithms are not available or were not evaluated, and the functional significance of this variant is currently unknown. In summary, the available evidence is currently insufficient to determine the role of this variant in disease. Therefore, it has been classified as a Variant of Uncertain Significance.

Blueprint Genetics
Classification: Uncertain significance. Last evaluated: 2022-11-17. Review status: criteria provided, single submitter. Criteria: ACMG Guidelines, 2015. Collection method: clinical testing. Allele origin: germline.

Fulgent Genetics
Classification: Uncertain significance for Adult hypophosphatasia; Infantile hypophosphatasia; Childhood hypophosphatasia. Last evaluated: 2022-03-11. Review status: criteria provided, single submitter. Criteria: ACMG Guidelines, 2015. Collection method: clinical testing. Allele origin: unknown.

Counsyl
Classification: Uncertain significance for Infantile hypophosphatasia. Last evaluated: 2018-04-13. Review status: no assertion criteria provided. Collection method: clinical testing. Allele origin: unknown. Not counted in ClinVar's aggregate classification.

Literature cited by the submitters: PubMed 32973344 (cited by Genomenon, Inc and Myriad Genetics, Inc.); PubMed 39983296 (cited by Myriad Genetics, Inc. and Labcorp Genetics (formerly Invitae), Labcorp).

NM_000478.6(ALPL):c.162CAT[1] (p.Ile55del)

Gene: ALPL (alkaline phosphatase, biomineralization associated; plus strand). Cytogenetic location: 1p36.12.
Variant type: Microsatellite.
Coding change: c.162CAT[1] on transcript NM_000478.6 (MANE Select); one copy of the 3-base unit CAT starting at c.162; the reference has two copies in a row; one copy, 3 bases deleted; also written c.165_167del.
Protein change: p.Ile55del; deletes isoleucine 55.
Molecular consequence: inframe deletion. On other transcripts: initiator codon variant (1).
Genome position (GRCh38, 1-based): chr1:21,560,729-21,560,731, CAT deleted; deleting any 3 consecutive bases within chr1:21,560,725-21,560,731 gives the same sequence; the position shown is the placement nearest the transcript's 3' end. VCF-style (leftmost placement, unchanged base first): chr1-21560724-GTCA-G. GRCh37 (hg19) VCF-style: chr1-21887217-GTCA-G.
Other names: c.162CAT[1], p.Ile55del (NM_001369805.2, NM_001369803.2, NM_001369804.2); c.-4CAT[1], p.Met1del (NM_001127501.4); c.47CAT[1], p.Ser17del (NM_001177520.3); c.165_167del (NM_000478.6); short protein forms I55del, M1del, S17del.
Identifiers: ClinVar variation 557864 (VCV000557864.10), dbSNP rs766831104, ClinGen allele CA666408.
Genomic context (GRCh38, chr1:21,560,724, plus strand): 5'-CAAGAGACACTGAAATATGCCCTGGAGCTTCAGAAGCTCAACACCAACGTGGCTAAGAAT[GTCA>G]TCATGTTCCTGGGAGATGGTGAGGCCCAGGGGCCTGTGGGAGGGGTGGAACAGGACACCT-3'